The following is an entry in ClinVar:

NM_001267550.2(TTN):c.33581-2A>T

Gene: TTN (titin; minus strand). Cytogenetic location: 2q31.2.
Variant type: single nucleotide variant.
Coding change: c.33581-2A>T on transcript NM_001267550.2 (MANE Select); the canonical splice acceptor site of the intron before coding-DNA position 33581, A replaced by T.
Molecular consequence: splice acceptor variant. On other transcripts: intron variant (3).
Genome position (GRCh38, 1-based): chr2:178,679,684, T>A on the plus strand (A>T on the coding strand, the complement: TTN is on the minus strand). VCF-style: chr2-178679684-T-A. GRCh37 (hg19) VCF-style: chr2-179544411-T-A.
Other names: c.13283-37367A>T (NM_003319.4); c.13859-37367A>T (NM_133437.4); c.13658-37367A>T (NM_133432.3); c.29849-2A>T (NM_133378.4); c.32630-2A>T (NM_001256850.1).
Identifiers: ClinVar variation 2134681 (VCV002134681.4), dbSNP rs2473903903, ClinGen allele CA349536725.

ClinVar aggregate classification (germline): Likely pathogenic (1 of 4 stars; one submission).

Conditions:
Dilated cardiomyopathy 1G (CMD1G). Identifiers: Orphanet 154, MedGen C1858763, MONDO:0011400, OMIM 604145.
Autosomal recessive limb-girdle muscular dystrophy type 2J (LGMDR10). Also called: MUSCULAR DYSTROPHY, LIMB-GIRDLE, AUTOSOMAL RECESSIVE 10; Limb-girdle muscular dystrophy, type 2J. Identifiers: Orphanet 140922, MedGen C1837342, MONDO:0012127, OMIM 608807.

Submission:

Labcorp Genetics (formerly Invitae), Labcorp
Classification: Likely pathogenic for Dilated cardiomyopathy 1G; Autosomal recessive limb-girdle muscular dystrophy type 2J. Last evaluated: 2024-10-18. Review status: criteria provided, single submitter. Criteria: Invitae Variant Classification Sherloc (09022015). Collection method: clinical testing. Allele origin: germline.
Comment: This sequence change affects an acceptor splice site in intron 140 of the TTN gene. It is expected to disrupt RNA splicing and likely results in a truncated or disrupted TTN protein. This variant is not present in population databases (gnomAD no frequency). This variant has not been reported in the literature in individuals affected with TTN-related conditions. ClinVar contains an entry for this variant (Variation ID: 2134681). Algorithms developed to predict the effect of sequence changes on RNA splicing suggest that this variant may disrupt the consensus splice site. This variant is located in the I band of TTN (PMID: 25589632). Truncating variants in this region have been reported in individuals affected with autosomal recessive centronuclear myopathy (PMID: 23975875, internal data). Truncating variants in this region have also been identified in individuals affected with autosomal dominant dilated cardiomyopathy and/or cardio-related conditions (PMID: 27869827, 32964742, internal data). In summary, the currently available evidence indicates that the variant is pathogenic, but additional data are needed to prove that conclusively. Therefore, this variant has been classified as Likely Pathogenic.

Literature cited by the submitters: PubMed 25589632; PubMed 23975875; PubMed 27869827; PubMed 32964742.